The following is an entry in ClinVar:

ClinVar aggregate classification (germline): Likely benign (1 of 4 stars; one submission).

Conditions:
Porphobilinogen synthase deficiency. Also called: ALAD DEFICIENCY; DELTA-AMINOLEVULINATE DEHYDRATASE DEFICIENCY; DOSS PORPHYRIA; PORPHYRIA, ALAD; Porphyria due to ALA dehydratase deficiency. Identifiers: Orphanet 100924, MedGen C0268328, MONDO:0013000, OMIM 612740.

Allele frequency attached by ClinVar (database versions not stated): gnomAD 0.00233 and 0.00245; TOPMed 0.00295; 1000 Genomes Project 0.00379; 1000 Genomes Project 30x 0.00468.
gnomAD v4.1: 475 of 418,984 alleles (0.11%); highest among the groups gnomAD compares: African/African-American, 0.83%; 1 homozygote.

Submission:

Illumina Laboratory Services, Illumina
Classification: Likely benign for Porphobilinogen synthase deficiency. Last evaluated: 2018-01-12. Review status: criteria provided, single submitter. Criteria: ICSL Variant Classification Criteria 13 December 2019. Collection method: clinical testing. Allele origin: germline.
Comment: This variant was observed in the ICSL laboratory as part of a predisposition screen in an ostensibly healthy population. It had not been previously curated by ICSL or reported in the Human Gene Mutation Database (HGMD: prior to June 1st, 2018), and was therefore a candidate for classification through an automated scoring system. Utilizing variant allele frequency, disease prevalence and penetrance estimates, and inheritance mode, an automated score was calculated to assess if this variant is too frequent to cause the disease. Based on the score and internal cut-off values, a variant classified as likely benign is not then subjected to further curation. The score for this variant resulted in a classification of likely benign for this disease.

NM_000031.6(ALAD):c.*317T>G

Gene: ALAD (aminolevulinate dehydratase; minus strand). Cytogenetic location: 9q32.
Variant type: single nucleotide variant.
Coding change: c.*317T>G on transcript NM_000031.6 (MANE Select); 317 bases downstream of the stop codon, T replaced by G.
Molecular consequence: 3 prime UTR variant.
Genome position (GRCh38, 1-based): chr9:113,387,983, A>C on the plus strand (T>G on the coding strand, the complement: ALAD is on the minus strand). VCF-style: chr9-113387983-A-C. GRCh37 (hg19) VCF-style: chr9-116150263-A-C.
Other names: c.*317T>G (NM_001003945.3, NM_001317745.2).
Identifiers: ClinVar variation 913438 (VCV000913438.4), dbSNP rs538745327, ClinGen allele CA198543040.